The following is an entry in ClinVar:

ClinVar aggregate classification (germline): Uncertain significance (1 of 4 stars; one submission).

gnomAD v4.1: 1 of 1,288,646 alleles (0.000078%); highest among the groups gnomAD compares: Admixed American, 0.0042%; no homozygotes.

Submission:

Women's Health and Genetics/Laboratory Corporation of America, LabCorp
Classification: Uncertain significance. Last evaluated: 2026-04-14. Review status: criteria provided, single submitter. Criteria: LabCorp Variant Classification Summary - May 2015. Collection method: clinical testing. Allele origin: germline.
Comment: Variant summary: CDK13 c.401C>A (p.Ala134Asp) results in a non-conservative amino acid change in the encoded protein sequence. Algorithms developed to predict the effect of missense changes on protein structure and function are either unavailable or do not agree on the potential impact of this missense change. The frequency data for this variant in gnomAD is considered unreliable, as metrics indicate poor data quality at this position. To our knowledge, no occurrence of c.401C>A in individuals affected with CDK13-related conditions and no experimental evidence demonstrating its impact on protein function have been reported. No submitters have cited clinical-significance assessments for this variant to ClinVar. Based on the evidence outlined above, the variant was classified as uncertain significance.

NM_003718.5(CDK13):c.401C>A (p.Ala134Asp)

Genes: CDK13 (cyclin dependent kinase 13; plus strand), LOC129998292 (ATAC-STARR-seq lymphoblastoid silent region 18115; plus strand). Cytogenetic location: 7p14.1.
Variant type: single nucleotide variant.
Coding change: c.401C>A on transcript NM_003718.5 (MANE Select); coding-DNA position 401, C replaced by A.
Protein change: p.Ala134Asp; replaces alanine 134 with aspartic acid.
Molecular consequence: missense variant.
Genome position (GRCh38, 1-based): chr7:39,951,042, C>A. VCF-style: chr7-39951042-C-A. GRCh37 (hg19) VCF-style: chr7-39990641-C-A.
Other names: c.401C>A, p.Ala134Asp (NM_031267.4); short protein forms A134D.
Identifiers: ClinVar variation 4848576 (VCV004848576.1).